The following is an entry in ClinVar:

ClinVar aggregate classification (germline): Uncertain significance (1 of 4 stars; one submission).

Conditions:
Nemaline myopathy 2 (NEM2). Also called: Nemaline myopathy 2, autosomal recessive. Identifiers: MedGen C1850569, MONDO:0009725, OMIM 256030.

Submission:

Labcorp Genetics (formerly Invitae), Labcorp
Classification: Uncertain significance for Nemaline myopathy 2. Last evaluated: 2019-12-17. Review status: criteria provided, single submitter. Criteria: Invitae Variant Classification Sherloc (09022015). Collection method: clinical testing. Allele origin: germline.
Comment: This sequence change replaces lysine with arginine at codon 3806 of the NEB protein (p.Lys3806Arg). The lysine residue is moderately conserved and there is a small physicochemical difference between lysine and arginine. This variant is not present in population databases (ExAC no frequency). In summary, the available evidence is currently insufficient to determine the role of this variant in disease. Therefore, it has been classified as a Variant of Uncertain Significance. Algorithms developed to predict the effect of missense changes on protein structure and function are either unavailable or do not agree on the potential impact of this missense change (SIFT: "Deleterious"; PolyPhen-2: "Not Available"; Align-GVGD: "Class C0"). This variant has not been reported in the literature in individuals with NEB-related conditions.

NM_001164508.2(NEB):c.11417A>G (p.Lys3806Arg)

Gene: NEB (nebulin; minus strand). Cytogenetic location: 2q23.3.
Variant type: single nucleotide variant.
Coding change: c.11417A>G on transcript NM_001164508.2 (MANE Select); coding-DNA position 11417, A replaced by G.
Protein change: p.Lys3806Arg; replaces lysine 3806 with arginine.
Molecular consequence: missense variant.
Genome position (GRCh38, 1-based): chr2:151,614,460, T>C on the plus strand (A>G on the coding strand, the complement: NEB is on the minus strand). VCF-style: chr2-151614460-T-C. GRCh37 (hg19) VCF-style: chr2-152470974-T-C.
Other names: c.11417A>G, p.Lys3806Arg (NM_001164507.2, NM_001271208.2); c.10688A>G, p.Lys3563Arg (NM_004543.5); short protein forms K3563R, K3806R.
Identifiers: ClinVar variation 849626 (VCV000849626.8), dbSNP rs2098126289, ClinGen allele CA348781964.